The following is an entry in ClinVar:

ClinVar aggregate classification (germline): Conflicting classifications of pathogenicity. Review status: criteria provided, conflicting classifications (1 of 4 stars). 4 submissions from 4 submitters: Uncertain significance (3); Likely benign (1). Last evaluated 2026-07-15.

Conditions:
TTN-related disorder. Also called: TTN-related condition; TTN-related disease; TTN-related disorders.

Allele frequency attached by ClinVar (database versions not stated): gnomAD exomes 0.00001 and 0.00003; ExAC 0.00003; gnomAD 0.00013 and 0.00018; TOPMed 0.00020; ESP Exome Variant Server 0.00025.
gnomAD v4.1: 36 of 1,613,400 alleles (0.0022%); highest among the groups gnomAD compares: African/African-American, 0.045%; no homozygotes.

Submissions (4):

PreventionGenetics, part of Exact Sciences
Classification: Uncertain significance for TTN-related condition. Last evaluated: 2026-07-15. Review status: criteria provided, single submitter. Criteria: ACMG Guidelines, 2015. Collection method: clinical testing. Allele origin: germline.
Comment: The TTN c.24922C>T variant is predicted to result in the amino acid substitution p.Pro8308Ser. To our knowledge, this variant has not been reported in the literature. This variant is reported in 0.054% of alleles in individuals of African descent in gnomAD. Although we suspect that this variant may be benign, at this time, the clinical significance of this variant is uncertain due to the absence of conclusive functional and genetic evidence.

Molecular Diagnostic Laboratory for Inherited Cardiovascular Disease, Montreal Heart Institute
Classification: Likely benign. Last evaluated: 2025-07-24. Review status: criteria provided, single submitter. Criteria: ACMG Guidelines, 2015. Collection method: clinical testing. Allele origin: germline. Affected: no.
Comment: BP1

ARUP Laboratories, Molecular Genetics and Genomics, ARUP Laboratories
Classification: Uncertain significance. Last evaluated: 2024-06-21. Review status: criteria provided, single submitter. Criteria: ARUP Molecular Germline Variant Investigation Process 2024. Collection method: clinical testing. Allele origin: germline.
Comment: The TTN c.24922C>T; p.Pro8308Ser variant (rs373770383; ClinVar Variation ID: 504545) is rare in the general population (<0.2% allele frequency in the Genome Aggregation Database) and has not been reported in the medical literature in association with dilated cardiomyopathy (DCM) or other TTN-related disease. The clinical relevance of rare missense variants in this gene, which are identified on average once per individual sequenced in affected populations (Herman 2012), is not well understood. Yet, evidence suggests that the vast majority of such missense variants do not contribute to the clinical outcome of DCM (Begay 2015). Thus, the clinical significance of the p.Pro8308Ser variant cannot be determined with certainty. References: Begay RL et al. Role of Titin Missense Variants in Dilated Cardiomyopathy. J Am Heart Assoc. 2015 Nov 13;4(11). PMID: 26567375. Herman DS et al. Truncations of titin causing dilated cardiomyopathy. N Engl J Med. 2012 Feb 16;366(7):619-28. PMID: 22335739. Linke WA and Hamdani N. Gigantic business: titin properties and function through thick and thin. Circ Res 2014; 114(6): 1052-1068. PMID: 24625729.

Laboratory for Molecular Medicine, Mass General Brigham Personalized Medicine
Classification: Uncertain significance. Last evaluated: 2016-04-29. Review status: criteria provided, single submitter. Criteria: LMM Criteria. Collection method: clinical testing. Allele origin: germline. Observed: 1 variant allele.
Comment: The p.Pro7064Ser variant in TTN has not been previously reported in individuals with cardiomyopathy, but has been identified in 4/9800 African chromosomes by th e Exome Aggregation Consortium (ExAC; dbSNP rs37 3770383). Computational prediction tools and conservation analysis do not provid e strong support for or against an impact to the protein. In summary, the clinic al significance of the p.Pro7064Ser variant is uncertain.

NM_001267550.2(TTN):c.24922C>T (p.Pro8308Ser)

Gene: TTN (titin; minus strand). Cytogenetic location: 2q31.2.
Variant type: single nucleotide variant.
Coding change: c.24922C>T on transcript NM_001267550.2 (MANE Select); coding-DNA position 24922, C replaced by T.
Protein change: p.Pro8308Ser; replaces proline 8308 with serine.
Molecular consequence: missense variant. On other transcripts: intron variant (3).
Genome position (GRCh38, 1-based): chr2:178,718,084, G>A on the plus strand (C>T on the coding strand, the complement: TTN is on the minus strand). VCF-style: chr2-178718084-G-A. GRCh37 (hg19) VCF-style: chr2-179582811-G-A.
Other names: c.21190C>T, p.Pro7064Ser (NM_133378.4); c.23971C>T, p.Pro7991Ser (NM_001256850.1); c.13282+19998C>T (NM_003319.4); c.13858+19998C>T (NM_133437.4); c.13657+19998C>T (NM_133432.3); short protein forms P7064S, P8308S, P7991S.
Identifiers: ClinVar variation 504545 (VCV000504545.8), dbSNP rs373770383, ClinGen allele CA2000323.